The following is an entry in ClinVar:

NM_004667.6(HERC2):c.72+6G>C

Gene: HERC2 (HECT and RLD domain containing E3 ubiquitin protein ligase 2; minus strand). Cytogenetic location: 15q13.1.
Variant type: single nucleotide variant.
Coding change: c.72+6G>C on transcript NM_004667.6 (MANE Select); 6 bases into the intron after coding-DNA position 72, G replaced by C.
Molecular consequence: intron variant.
Genome position (GRCh38, 1-based): chr15:28,321,356, C>G on the plus strand (G>C on the coding strand, the complement: HERC2 is on the minus strand). VCF-style: chr15-28321356-C-G. GRCh37 (hg19) VCF-style: chr15-28566502-C-G.
Identifiers: ClinVar variation 2224779 (VCV002224779.2), dbSNP rs923224725, ClinGen allele CA267925788.

ClinVar aggregate classification (germline): Uncertain significance (1 of 4 stars; one submission).

Conditions:
Inborn genetic diseases. Identifiers: MedGen C0950123, MeSH D030342.

Allele frequency attached by ClinVar (database versions not stated): gnomAD 0.00001; TOPMed 0.00001; gnomAD exomes 0.00002.

Submission:

Ambry Genetics
Classification: Uncertain significance for Inborn genetic diseases. Last evaluated: 2021-12-10. Review status: criteria provided, single submitter. Criteria: Ambry Variant Classification Scheme 2023. Collection method: clinical testing. Allele origin: germline.
Comment: The c.72+6G>C intronic alteration consists of a G to C substitution nucleotides after coding exon 1 in the HERC2 gene. Based on insufficient or conflicting evidence, the clinical significance of this alteration remains unclear.